The following is an entry in ClinVar:

NM_173630.4(RTTN):c.169T>C (p.Ser57Pro)

Gene: RTTN (rotatin; minus strand). Cytogenetic location: 18q22.2.
Variant type: single nucleotide variant.
Coding change: c.169T>C on transcript NM_173630.4 (MANE Select); coding-DNA position 169, T replaced by C.
Protein change: p.Ser57Pro; replaces serine 57 with proline.
Molecular consequence: missense variant. On other transcripts: 5 prime UTR variant (1).
Genome position (GRCh38, 1-based): chr18:70,205,178, A>G on the plus strand (T>C on the coding strand, the complement: RTTN is on the minus strand). VCF-style: chr18-70205178-A-G. GRCh37 (hg19) VCF-style: chr18-67872414-A-G.
Other names: c.-2385T>C (NM_001318520.2); short protein forms S57P.
Identifiers: ClinVar variation 1206747 (VCV001206747.9), dbSNP rs376558320, ClinGen allele CA8996573.

ClinVar aggregate classification (germline): Uncertain significance. Review status: criteria provided, multiple submitters, no conflicts (2 of 4 stars). 3 submissions from 3 submitters: Uncertain significance (3). Last evaluated 2024-11-20.

Conditions:
Inborn genetic diseases. Identifiers: MedGen C0950123, MeSH D030342.

Allele frequency attached by ClinVar (database versions not stated): gnomAD exomes 0.00001 and 0.00003; ExAC 0.00006; gnomAD 0.00017 and 0.00018; TOPMed 0.00019; ESP Exome Variant Server 0.00025.
gnomAD v4.1: 46 of 1,614,124 alleles (0.0028%); highest among the groups gnomAD compares: African/African-American, 0.059%; no homozygotes.

Submissions (3):

Ambry Genetics
Classification: Uncertain significance for Inborn genetic diseases. Last evaluated: 2024-11-20. Review status: criteria provided, single submitter. Criteria: Ambry Variant Classification Scheme 2023. Collection method: clinical testing. Allele origin: germline.

Labcorp Genetics (formerly Invitae), Labcorp
Classification: Uncertain significance. Last evaluated: 2022-07-19. Review status: criteria provided, single submitter. Criteria: Invitae Variant Classification Sherloc (09022015). Collection method: clinical testing. Allele origin: germline.
Comment: This variant is present in population databases (rs376558320, gnomAD 0.06%). In summary, the available evidence is currently insufficient to determine the role of this variant in disease. Therefore, it has been classified as a Variant of Uncertain Significance. Algorithms developed to predict the effect of missense changes on protein structure and function are either unavailable or do not agree on the potential impact of this missense change (SIFT: "Deleterious"; PolyPhen-2: "Benign"; Align-GVGD: "Class C0"). ClinVar contains an entry for this variant (Variation ID: 1206747). This variant has not been reported in the literature in individuals affected with RTTN-related conditions. This sequence change replaces serine, which is neutral and polar, with proline, which is neutral and non-polar, at codon 57 of the RTTN protein (p.Ser57Pro).

GeneDx
Classification: Uncertain significance. Last evaluated: 2021-04-14. Review status: criteria provided, single submitter. Criteria: GeneDx Variant Classification Process June 2021. Collection method: clinical testing. Allele origin: germline. Affected: yes.
Comment: Has not been previously published as pathogenic or benign to our knowledge; In silico analysis supports that this missense variant does not alter protein structure/function